The following is an entry in ClinVar:

ClinVar aggregate classification (germline): Uncertain significance (1 of 4 stars; one submission).

Conditions:
RELN-related disorder. Also called: RELN-related condition.

gnomAD v4.1: 1 of 1,614,186 alleles (0.000062%); highest among the groups gnomAD compares: Non-Finnish European, 0.000085%; no homozygotes.

Submission:

PreventionGenetics, part of Exact Sciences
Classification: Uncertain significance for RELN-related condition. Last evaluated: 2025-09-22. Review status: criteria provided, single submitter. Criteria: ACMG Guidelines, 2015. Collection method: clinical testing. Allele origin: germline.
Comment: The RELN c.6983C>T variant is predicted to result in the amino acid substitution p.Thr2328Ile. To our knowledge, this variant has not been reported in the literature or in a large population database (gnomAD), indicating this variant is rare. At this time, the clinical significance of this variant is uncertain due to the absence of conclusive functional and genetic evidence.

NM_005045.4(RELN):c.6983C>T (p.Thr2328Ile)

Gene: RELN (reelin; minus strand). Cytogenetic location: 7q22.1.
Variant type: single nucleotide variant.
Coding change: c.6983C>T on transcript NM_005045.4 (MANE Select); coding-DNA position 6983, C replaced by T.
Protein change: p.Thr2328Ile; replaces threonine 2328 with isoleucine.
Molecular consequence: missense variant.
Genome position (GRCh38, 1-based): chr7:103,539,275, G>A on the plus strand (C>T on the coding strand, the complement: RELN is on the minus strand). VCF-style: chr7-103539275-G-A. GRCh37 (hg19) VCF-style: chr7-103179722-G-A.
Other names: c.6983C>T, p.Thr2328Ile (NM_173054.3); short protein forms T2328I.
Identifiers: ClinVar variation 4993953 (VCV004993953.1).